The following is an entry in ClinVar:

NM_001848.3(COL6A1):c.1931G>C (p.Arg644Pro)

Gene: COL6A1 (collagen type VI alpha 1 chain; plus strand). Cytogenetic location: 21q22.3.
Variant type: single nucleotide variant.
Coding change: c.1931G>C on transcript NM_001848.3 (MANE Select); coding-DNA position 1931, G replaced by C.
Protein change: p.Arg644Pro; replaces arginine 644 with proline.
Molecular consequence: missense variant.
Genome position (GRCh38, 1-based): chr21:46,001,361, G>C. VCF-style: chr21-46001361-G-C. GRCh37 (hg19) VCF-style: chr21-47421275-G-C.
Other names: short protein forms R644P.
Identifiers: ClinVar variation 1315291 (VCV001315291.2), dbSNP rs398123634, ClinGen allele CA410533702.

ClinVar aggregate classification (germline): Uncertain significance (1 of 4 stars; one submission).

gnomAD v4.1: 1 of 1,612,030 alleles (0.000062%); highest among the groups gnomAD compares: African/African-American, 0.0013%; no homozygotes.

Submission:

GeneDx
Classification: Uncertain significance. Last evaluated: 2020-02-11. Review status: criteria provided, single submitter. Criteria: GeneDx Variant Classification Process June 2021. Collection method: clinical testing. Allele origin: germline. Affected: yes.
Comment: Not observed in large population cohorts (Lek et al., 2016); In silico analysis supports that this missense variant has a deleterious effect on protein structure/function; Has not been previously published as pathogenic or benign to our knowledge